The following is an entry in ClinVar:

ClinVar aggregate classification (germline): Likely benign (1 of 4 stars; one submission).

Submission:

Molecular Diagnostic Laboratory for Inherited Cardiovascular Disease, Montreal Heart Institute
Classification: Likely benign. Last evaluated: 2025-04-09. Review status: criteria provided, single submitter. Criteria: ACMG Guidelines, 2015. Collection method: clinical testing. Allele origin: germline. Affected: no.
Comment: BP1

NM_001267550.2(TTN):c.78808A>G (p.Asn26270Asp)

Genes: TTN (titin; minus strand), TTN-AS1 (TTN antisense RNA 1; plus strand). Cytogenetic location: 2q31.2.
Variant type: single nucleotide variant.
Coding change: c.78808A>G on transcript NM_001267550.2 (MANE Select); coding-DNA position 78808, A replaced by G.
Protein change: p.Asn26270Asp; replaces asparagine 26270 with aspartic acid.
Molecular consequence: missense variant.
Genome position (GRCh38, 1-based): chr2:178,567,324, T>C on the plus strand (A>G on the coding strand, the complement: TTN is on the minus strand). VCF-style: chr2-178567324-T-C. GRCh37 (hg19) VCF-style: chr2-179432051-T-C.
Other names: c.51613A>G, p.Asn17205Asp (NM_003319.4); c.71104A>G, p.Asn23702Asp (NM_133378.4); c.51988A>G, p.Asn17330Asp (NM_133432.3); c.52189A>G, p.Asn17397Asp (NM_133437.4); c.73885A>G, p.Asn24629Asp (NM_001256850.1); short protein forms N17205D, N17330D, N17397D, N23702D, N24629D, N26270D.
Identifiers: ClinVar variation 3895442 (VCV003895442.1).